The following is an entry in ClinVar:

NM_016124.6(RHD):c.341G>C (p.Arg114Pro)

Genes: RHD (Rh blood group D antigen; plus strand), RSRP1 (arginine and serine rich protein 1; minus strand). Cytogenetic location: 1p36.11.
Variant type: single nucleotide variant.
Coding change: c.341G>C on transcript NM_016124.6 (MANE Select); coding-DNA position 341, G replaced by C.
Protein change: p.Arg114Pro; replaces arginine 114 with proline.
Molecular consequence: missense variant. On other transcripts: 5 prime UTR variant (1), intron variant (1).
Genome position (GRCh38, 1-based): chr1:25,290,646, G>C. VCF-style: chr1-25290646-G-C. GRCh37 (hg19) VCF-style: chr1-25617137-G-C.
Other names: c.341G>C, p.Arg114Pro (NM_001127691.3, NM_001282868.1, NM_001282869.2 and 3 more transcripts); c.-154G>C (NM_001282867.1); c.-66-43617C>G (NM_001321772.2); short protein forms R114P.
Identifiers: ClinVar variation 1300199 (VCV001300199.4), dbSNP rs530929152, ClinGen allele CA339071634.
Genomic context (GRCh38, chr1:25,290,646, plus strand): 5'-TGAGTGAGAGGCATCCTTCCTTCTCAGTCGTCCTGGCTCTCCCTCTCTCCCCCAGTATTC[G>C]GCTGGCCACCATGAGTGCTTTGTCGGTGCTGATCTCAGTGGATGCTGTCTTGGGGAAGGT-3'
Protein context (NP_057208.3, residues 104-124): GKVVITLFSI[Arg114Pro]LATMSALSVL

ClinVar aggregate classification (germline): Affects (0 of 4 stars; one submission).

Conditions:
weakened D expression by serology.

gnomAD v4.1: 1 of 1,377,854 alleles (0.000073%); no homozygotes.

Submission:

Australian Red Cross Blood Service
Classification: Affects for weakened D expression by serology. Review status: no assertion criteria provided. Collection method: research. Allele origin: inherited. Inheritance: Autosomal dominant inheritance.
Comment: both show weakened D expression. The change is at the same position as a known allele (RHD*01W.25) however it is not the same base change.